The following is an entry in ClinVar:

NM_005633.4(SOS1):c.773A>T (p.Lys258Met)

Gene: SOS1 (SOS Ras/Rac guanine nucleotide exchange factor 1; minus strand). Cytogenetic location: 2p22.1.
Variant type: single nucleotide variant.
Coding change: c.773A>T on transcript NM_005633.4 (MANE Select); coding-DNA position 773, A replaced by T.
Protein change: p.Lys258Met; replaces lysine 258 with methionine.
Molecular consequence: missense variant.
Genome position (GRCh38, 1-based): chr2:39,051,235, T>A on the plus strand (A>T on the coding strand, the complement: SOS1 is on the minus strand). VCF-style: chr2-39051235-T-A. GRCh37 (hg19) VCF-style: chr2-39278376-T-A.
Other names: c.752A>T, p.Lys251Met (NM_001382394.1); c.773A>T, p.Lys258Met (NM_001382395.1); short protein forms K258M, K251M.
Identifiers: ClinVar variation 4761327 (VCV004761327.1).

ClinVar aggregate classification (germline): Uncertain significance (1 of 4 stars; one submission).

Conditions:
RASopathy. Also called: rasopathies; Noonan spectrum disorder. Identifiers: Orphanet 536391, MedGen C5555857, MONDO:0021060.

gnomAD v4.1: 24 of 1,612,428 alleles (0.0015%); highest among the groups gnomAD compares: Non-Finnish European, 0.002%; no homozygotes.

Submission:

Labcorp Genetics (formerly Invitae), Labcorp
Classification: Uncertain significance for RASopathy. Last evaluated: 2025-05-19. Review status: criteria provided, single submitter. Criteria: Invitae Variant Classification Sherloc (09022015). Collection method: clinical testing. Allele origin: germline.
Comment: This sequence change replaces lysine, which is basic and polar, with methionine, which is neutral and non-polar, at codon 258 of the SOS1 protein (p.Lys258Met). This variant is present in population databases (rs770792180, gnomAD 0.002%). This variant has not been reported in the literature in individuals affected with SOS1-related conditions. Invitae Evidence Modeling of protein sequence and biophysical properties (such as structural, functional, and spatial information, amino acid conservation, physicochemical variation, residue mobility, and thermodynamic stability) has been performed for this missense variant. However, the output from this modeling did not meet the statistical confidence thresholds required to predict the impact of this variant on SOS1 protein function. In summary, the available evidence is currently insufficient to determine the role of this variant in disease. Therefore, it has been classified as a Variant of Uncertain Significance.